The following is an entry in ClinVar:

ClinVar aggregate classification (germline): Uncertain significance. Review status: criteria provided, single submitter (1 of 4 stars). 2 submissions from 2 submitters: Uncertain significance (1). 1 of the submissions does not count toward it. Last evaluated 2024-08-28.

Conditions:
Citrullinemia. Identifiers: Orphanet 187, MedGen C0175683, MONDO:0015991.
Citrullinemia type I (CTNL1). Also called: ASS DEFICIENCY; argininosuccinate synthetase deficiency. Identifiers: Orphanet 247525, MedGen C4721769, MONDO:0008988, OMIM 215700.

Allele frequency attached by ClinVar (database versions not stated): gnomAD exomes below 0.00001; gnomAD 0.00001; TOPMed 0.00001.

Submissions (2):

Labcorp Genetics (formerly Invitae), Labcorp
Classification: Uncertain significance for Citrullinemia. Last evaluated: 2024-08-28. Review status: criteria provided, single submitter. Criteria: Invitae Variant Classification Sherloc (09022015). Collection method: clinical testing. Allele origin: germline.
Comment: This sequence change replaces methionine, which is neutral and non-polar, with valine, which is neutral and non-polar, at codon 186 of the ASS1 protein (p.Met186Val). This variant is not present in population databases (gnomAD no frequency). This missense change has been observed in individuals with ASS1-related conditions (PMID: 31469252, 32778825; internal data). ClinVar contains an entry for this variant (Variation ID: 966552). Invitae Evidence Modeling of protein sequence and biophysical properties (such as structural, functional, and spatial information, amino acid conservation, physicochemical variation, residue mobility, and thermodynamic stability) indicates that this missense variant is not expected to disrupt ASS1 protein function with a negative predictive value of 80%. This variant disrupts the p.Met186 amino acid residue in ASS1. Other variant(s) that disrupt this residue have been observed in individuals with ASS1-related conditions (PMID: 25433810), which suggests that this may be a clinically significant amino acid residue. In summary, the available evidence is currently insufficient to determine the role of this variant in disease. Therefore, it has been classified as a Variant of Uncertain Significance.

Natera, Inc.
Classification: Uncertain significance for Citrullinemia type I. Last evaluated: 2020-01-24. Review status: no assertion criteria provided. Collection method: clinical testing. Allele origin: germline. Not counted in ClinVar's aggregate classification.

Literature cited by the submitters: PubMed 31469252 (cited by Labcorp Genetics (formerly Invitae), Labcorp); PubMed 32778825 (cited by Labcorp Genetics (formerly Invitae), Labcorp); PubMed 25433810 (cited by Labcorp Genetics (formerly Invitae), Labcorp).

NM_054012.4(ASS1):c.556A>G (p.Met186Val)

Gene: ASS1 (argininosuccinate synthase 1; plus strand). Cytogenetic location: 9q34.11.
Variant type: single nucleotide variant.
Coding change: c.556A>G on transcript NM_054012.4 (MANE Select); coding-DNA position 556, A replaced by G.
Protein change: p.Met186Val; replaces methionine 186 with valine.
Molecular consequence: missense variant.
Genome position (GRCh38, 1-based): chr9:130,470,894, A>G. VCF-style: chr9-130470894-A-G. GRCh37 (hg19) VCF-style: chr9-133346281-A-G.
Other names: c.556A>G, p.Met186Val (NM_000050.4); short protein forms M186V.
Identifiers: ClinVar variation 966552 (VCV000966552.8), dbSNP rs1845851030, ClinGen allele CA375227306.
Genomic context (GRCh38, chr9:130,470,894, plus strand): 5'-CAACACGGGATTCCCATCCCGGTCACTCCCAAGAACCCGTGGAGCATGGATGAGAACCTC[A>G]TGCACATCAGGTAAATCCCACCCTCCACCCATCCTTGGTCCTCCCGGGCTCATTCCAAAG-3'
Protein context (NP_446464.1, residues 176-196): KNPWSMDENL[Met186Val]HISYEAGILE